The following is an entry in ClinVar:

NM_002439.5(MSH3):c.744G>C (p.Leu248Phe)

Gene: MSH3 (mutS homolog 3; plus strand). Cytogenetic location: 5q14.1.
Variant type: single nucleotide variant.
Coding change: c.744G>C on transcript NM_002439.5 (MANE Select); coding-DNA position 744, G replaced by C.
Protein change: p.Leu248Phe; replaces leucine 248 with phenylalanine.
Molecular consequence: missense variant.
Genome position (GRCh38, 1-based): chr5:80,670,261, G>C. VCF-style: chr5-80670261-G-C. GRCh37 (hg19) VCF-style: chr5-79966080-G-C.
Other names: short protein forms L248F.
Identifiers: ClinVar variation 2095082 (VCV002095082.4), dbSNP rs2546721204, ClinGen allele CA360266923.

ClinVar aggregate classification (germline): Uncertain significance (1 of 4 stars; one submission).

Submission:

Labcorp Genetics (formerly Invitae), Labcorp
Classification: Uncertain significance. Last evaluated: 2022-02-08. Review status: criteria provided, single submitter. Criteria: Invitae Variant Classification Sherloc (09022015). Collection method: clinical testing. Allele origin: germline.
Comment: In summary, the available evidence is currently insufficient to determine the role of this variant in disease. Therefore, it has been classified as a Variant of Uncertain Significance. Algorithms developed to predict the effect of missense changes on protein structure and function are either unavailable or do not agree on the potential impact of this missense change (SIFT: "Deleterious"; PolyPhen-2: "Probably Damaging"; Align-GVGD: "Class C0"). This variant has not been reported in the literature in individuals affected with MSH3-related conditions. This variant is not present in population databases (gnomAD no frequency). This sequence change replaces leucine, which is neutral and non-polar, with phenylalanine, which is neutral and non-polar, at codon 248 of the MSH3 protein (p.Leu248Phe).